The following is an entry in ClinVar:

ClinVar aggregate classification (germline): Benign. Review status: criteria provided, single submitter (1 of 4 stars). 2 submissions from 2 submitters: Benign (1). 1 of the submissions does not count toward it. Last evaluated 2025-07-09.

Conditions:
DRP2-related disorder. Also called: DRP2-related condition.

Allele frequency attached by ClinVar (database versions not stated): gnomAD exomes 0.00005; ExAC 0.00011; TOPMed 0.00048; gnomAD 0.00056; 1000 Genomes Project 30x 0.00062; 1000 Genomes Project 0.00079.
gnomAD v4.1: 121 of 1,207,848 alleles (0.01%); highest among the groups gnomAD compares: African/African-American, 0.17%; 1 homozygote.

Submissions (2):

Labcorp Genetics (formerly Invitae), Labcorp
Classification: Benign. Last evaluated: 2025-07-09. Review status: criteria provided, single submitter. Criteria: Invitae Variant Classification Sherloc (09022015). Collection method: clinical testing. Allele origin: germline.

PreventionGenetics, part of Exact Sciences
Classification: Likely benign for DRP2-related condition. Last evaluated: 2019-06-19. Review status: no assertion criteria provided. Collection method: clinical testing. Allele origin: germline. Not counted in ClinVar's aggregate classification.
Comment: This variant is classified as likely benign based on ACMG/AMP sequence variant interpretation guidelines (Richards et al. 2015 PMID: 25741868, with internal and published modifications).

NM_001939.3(DRP2):c.1699-10G>T

Gene: DRP2 (dystrophin related protein 2; plus strand). Cytogenetic location: Xq22.1.
Variant type: single nucleotide variant.
Coding change: c.1699-10G>T on transcript NM_001939.3 (MANE Select); 10 bases into the intron before coding-DNA position 1699, G replaced by T.
Molecular consequence: intron variant.
Genome position (GRCh38, 1-based): chrX:101,250,907, G>T. VCF-style: chrX-101250907-G-T. GRCh37 (hg19) VCF-style: chrX-100505896-G-T.
Other names: c.1465-10G>T (NM_001171184.2); c.1699-10G>T (NM_001939.2).
Identifiers: ClinVar variation 2045167 (VCV002045167.6), dbSNP rs202063627, ClinGen allele CA10472331.